The following is an entry in ClinVar:

ClinVar aggregate classification (germline): Uncertain significance (1 of 4 stars; one submission).

Submission:

Labcorp Genetics (formerly Invitae), Labcorp
Classification: Uncertain significance. Last evaluated: 2025-07-18. Review status: criteria provided, single submitter. Criteria: Invitae Variant Classification Sherloc (09022015). Collection method: clinical testing. Allele origin: germline.
Comment: This sequence change replaces glycine, which is neutral and non-polar, with tryptophan, which is neutral and slightly polar, at codon 283 of the GRIN2D protein (p.Gly283Trp). Information on the frequency of this variant in the gnomAD database is not available, as this variant may be reported differently in the database. This variant has not been reported in the literature in individuals affected with GRIN2D-related conditions. Experimental studies and prediction algorithms are not available or were not evaluated, and the functional significance of this variant is currently unknown. In summary, the available evidence is currently insufficient to determine the role of this variant in disease. Therefore, it has been classified as a Variant of Uncertain Significance.

NM_000836.4(GRIN2D):c.846_847delinsTT (p.Gly283Trp)

Gene: GRIN2D (glutamate ionotropic receptor NMDA type subunit 2D; plus strand). Cytogenetic location: 19q13.33.
Variant type: Indel.
Coding change: c.846_847delinsTT on transcript NM_000836.4 (MANE Select); coding-DNA positions 846 to 847, CG replaced by TT.
Protein change: p.Gly283Trp; replaces glycine 283 with tryptophan.
Molecular consequence: missense variant.
Genome position (GRCh38, 1-based): chr19:48,405,114-48,405,115, CG replaced by TT. VCF-style: chr19-48405114-CG-TT. GRCh37 (hg19) VCF-style: chr19-48908371-CG-TT.
Other names: short protein forms G283W.
Identifiers: ClinVar variation 4723436 (VCV004723436.1).